The following is an entry in ClinVar:

ClinVar aggregate classification (germline): Benign. Review status: criteria provided, multiple submitters, no conflicts (2 of 4 stars). 3 submissions from 3 submitters: Benign (3). Last evaluated 2021-07-15.

Conditions:
Noonan syndrome 9 (NS9). Identifiers: Orphanet 648, MedGen C4225282, MONDO:0014691, OMIM 616559.

Allele frequency attached by ClinVar (database versions not stated): 1000 Genomes Project 0.85343; 1000 Genomes Project 30x 0.85493; ESP Exome Variant Server 0.86271; gnomAD exomes 0.87004 and 0.87290; gnomAD 0.87059 and 0.87379; ExAC 0.87162; TOPMed 0.87453.
gnomAD v4.1: 1,039,418 of 1,191,486 alleles (87%); highest among the groups gnomAD compares: East Asian, 92%; 454,194 homozygotes.

Submissions (3):

Genome-Nilou Lab
Classification: Benign for Noonan syndrome 9. Last evaluated: 2021-07-15. Review status: criteria provided, single submitter. Criteria: ACMG Guidelines, 2015. Collection method: clinical testing. Allele origin: germline. Affected: no.

GeneDx
Classification: Benign. Last evaluated: 2018-06-14. Review status: criteria provided, single submitter. Criteria: GeneDx Variant Classification (06012015). Collection method: clinical testing. Allele origin: germline. Affected: yes.
Comment: This variant is considered likely benign or benign based on one or more of the following criteria: it is a conservative change, it occurs at a poorly conserved position in the protein, it is predicted to be benign by multiple in silico algorithms, and/or has population frequency not consistent with disease.

Breakthrough Genomics
Classification: Benign. Review status: criteria provided, single submitter. Criteria: ACMG Guidelines, 2015. Collection method: not provided. Allele origin: germline. Inheritance: Autosomal dominant inheritance. Affected: yes.

NM_006939.4(SOS2):c.2667+43G>A

Gene: SOS2 (SOS Ras/Rho guanine nucleotide exchange factor 2; minus strand). Cytogenetic location: 14q21.3.
Variant type: single nucleotide variant.
Coding change: c.2667+43G>A on transcript NM_006939.4 (MANE Select); 43 bases into the intron after coding-DNA position 2667, G replaced by A.
Molecular consequence: intron variant.
Genome position (GRCh38, 1-based): chr14:50,145,127, C>T on the plus strand (G>A on the coding strand, the complement: SOS2 is on the minus strand). VCF-style: chr14-50145127-C-T. GRCh37 (hg19) VCF-style: chr14-50611845-C-T.
Identifiers: ClinVar variation 561518 (VCV000561518.4), dbSNP rs2064667, ClinGen allele CA7176987.
Genomic context (GRCh38, chr14:50,145,127, plus strand): 5'-ATTTACAAAGAATTTAATTAAAAAGACAGATGATAGATGAAATTTCTTTTATGCTAATTT[C>T]ATCATCCCCGAGAAAAATGAAAAAGTTAAGCCTAAAACTTACCTCAAAGGTATGGTCTAG-3'